The following is an entry in ClinVar:

NM_024537.4(CARS2):c.946G>A (p.Glu316Lys)

Gene: CARS2 (cysteinyl-tRNA synthetase 2, mitochondrial; minus strand). Cytogenetic location: 13q34.
Variant type: single nucleotide variant.
Coding change: c.946G>A on transcript NM_024537.4 (MANE Select); coding-DNA position 946, G replaced by A.
Protein change: p.Glu316Lys; replaces glutamic acid 316 with lysine.
Molecular consequence: missense variant. On other transcripts: 3 prime UTR variant (1), non-coding transcript variant (2).
Genome position (GRCh38, 1-based): chr13:110,663,492, C>T on the plus strand (G>A on the coding strand, the complement: CARS2 is on the minus strand). VCF-style: chr13-110663492-C-T. GRCh37 (hg19) VCF-style: chr13-111315839-C-T.
Other names: c.160G>A, p.Glu54Lys (NM_001352252.2); c.*418G>A (NM_001352253.3); c.946G>A (NM_024537.2); short protein forms E54K, E316K.
Identifiers: ClinVar variation 2187588 (VCV002187588.5), dbSNP rs868370443, ClinGen allele CA388748389.

ClinVar aggregate classification (germline): Uncertain significance. Review status: criteria provided, multiple submitters, no conflicts (2 of 4 stars). 2 submissions from 2 submitters: Uncertain significance (2). Last evaluated 2025-11-26.

Conditions:
Combined oxidative phosphorylation defect type 27. Also called: Combined oxidative phosphorylation deficiency 27. Identifiers: Orphanet 477774, MedGen C5567608, MONDO:0014728, OMIM 616672.
Inborn genetic diseases. Identifiers: MedGen C0950123, MeSH D030342.

Submissions (2):

Ambry Genetics
Classification: Uncertain significance for Inborn genetic diseases. Last evaluated: 2025-11-26. Review status: criteria provided, single submitter. Criteria: Ambry Variant Classification Scheme 2023. Collection method: clinical testing. Allele origin: germline.

Labcorp Genetics (formerly Invitae), Labcorp
Classification: Uncertain significance for Combined oxidative phosphorylation defect type 27. Last evaluated: 2024-10-16. Review status: criteria provided, single submitter. Criteria: Invitae Variant Classification Sherloc (09022015). Collection method: clinical testing. Allele origin: germline.
Comment: This sequence change replaces glutamic acid, which is acidic and polar, with lysine, which is basic and polar, at codon 316 of the CARS2 protein (p.Glu316Lys). This variant is not present in population databases (gnomAD no frequency). This variant has not been reported in the literature in individuals affected with CARS2-related conditions. ClinVar contains an entry for this variant (Variation ID: 2187588). Invitae Evidence Modeling of protein sequence and biophysical properties (such as structural, functional, and spatial information, amino acid conservation, physicochemical variation, residue mobility, and thermodynamic stability) indicates that this missense variant is not expected to disrupt CARS2 protein function with a negative predictive value of 80%. In summary, the available evidence is currently insufficient to determine the role of this variant in disease. Therefore, it has been classified as a Variant of Uncertain Significance.